The following is an entry in ClinVar:

NM_007289.4(MME):c.667C>T (p.Arg223Ter)

Gene: MME (membrane metalloendopeptidase; plus strand). Cytogenetic location: 3q25.2.
Variant type: single nucleotide variant.
Coding change: c.667C>T on transcript NM_007289.4 (MANE Select); coding-DNA position 667, C replaced by T.
Protein change: p.Arg223Ter; replaces arginine 223 with a stop codon.
Molecular consequence: nonsense.
Genome position (GRCh38, 1-based): chr3:155,118,758, C>T. VCF-style: chr3-155118758-C-T. GRCh37 (hg19) VCF-style: chr3-154836547-C-T.
Other names: c.667C>T, p.Arg223Ter (NM_000902.5, NM_001354642.2, NM_001354643.1 and 2 more transcripts); short protein forms R223*.
Identifiers: ClinVar variation 2441451 (VCV002441451.4), dbSNP rs201328537, ClinGen allele CA85810393.

ClinVar aggregate classification (germline): Pathogenic/Likely pathogenic. Review status: criteria provided, multiple submitters, no conflicts (2 of 4 stars). 2 submissions from 2 submitters: Pathogenic (1); Likely pathogenic (1). Last evaluated 2025-04-23.

Allele frequency attached by ClinVar (database versions not stated): gnomAD exomes 0.00001; TOPMed 0.00001; gnomAD 0.00002.
gnomAD v4.1: 11 of 1,597,720 alleles (0.00069%); highest among the groups gnomAD compares: Non-Finnish European, 0.00094%; no homozygotes.

Submissions (2):

Labcorp Genetics (formerly Invitae), Labcorp
Classification: Pathogenic. Last evaluated: 2025-04-23. Review status: criteria provided, single submitter. Criteria: Invitae Variant Classification Sherloc (09022015). Collection method: clinical testing. Allele origin: germline.
Comment: This sequence change creates a premature translational stop signal (p.Arg223*) in the MME gene. It is expected to result in an absent or disrupted protein product. Loss-of-function variants in MME are known to be pathogenic (PMID: 26991897). The frequency data for this variant in the population databases is considered unreliable, as metrics indicate poor data quality at this position in the gnomAD database. This premature translational stop signal has been observed in individual(s) with clinical features of Charcot-Marie-Tooth disease (PMID: 33144514). ClinVar contains an entry for this variant (Variation ID: 2441451). For these reasons, this variant has been classified as Pathogenic.

Revvity Omics, Revvity
Classification: Likely pathogenic. Last evaluated: 2022-04-01. Review status: criteria provided, single submitter. Criteria: ACMG Guidelines, 2015. Collection method: clinical testing. Allele origin: germline.

Literature cited by the submitters: PubMed 26991897 (cited by Labcorp Genetics (formerly Invitae), Labcorp); PubMed 33144514 (cited by Labcorp Genetics (formerly Invitae), Labcorp).